The following is an entry in ClinVar:

NM_003320.5(TUB):c.-1G>A

Gene: TUB (TUB bipartite transcription factor; plus strand). Cytogenetic location: 11p15.4.
Variant type: single nucleotide variant.
Coding change: c.-1G>A on transcript NM_003320.5; 1 bases upstream of the start codon, G replaced by A.
Molecular consequence: 5 prime UTR variant. On other transcripts: intron variant (4).
Genome position (GRCh38, 1-based): chr11:8,038,873, G>A. VCF-style: chr11-8038873-G-A. GRCh37 (hg19) VCF-style: chr11-8060420-G-A.
Other names: c.56+19515G>A (NM_001440538.1, NM_001440539.1, NM_001440540.1 and 1 more transcripts).
Identifiers: ClinVar variation 3061653 (VCV003061653.2), dbSNP rs931180847, ClinGen allele CA217427718.
Genomic context (GRCh38, chr11:8,038,873, plus strand): 5'-GGTCTTACTATGCAGCCTGAAGTGGGACCATCCCTTAAACCCACTCCATCCTGTGGCCAC[G>A]ATGGGGGCCAGGACACCTTTGCCTTCTTTCTGGGTTTCTTTCTTTGCCGAGACAGGGATT-3'

ClinVar aggregate classification (germline): Likely benign (0 of 4 stars; one submission).

Conditions:
TUB-related disorder. Also called: TUB-related condition.

Allele frequency attached by ClinVar (database versions not stated): gnomAD exomes 0.00001.
gnomAD v4.1: 14 of 1,613,734 alleles (0.00087%); highest among the groups gnomAD compares: South Asian, 0.0011%; no homozygotes.

Submission:

PreventionGenetics, part of Exact Sciences
Classification: Likely benign for TUB-related condition. Last evaluated: 2021-06-24. Review status: no assertion criteria provided. Collection method: clinical testing. Allele origin: germline.
Comment: This variant is classified as likely benign based on ACMG/AMP sequence variant interpretation guidelines (Richards et al. 2015 PMID: 25741868, with internal and published modifications).